The following is an entry in ClinVar:

NM_001384125.1(BLTP1):c.14045G>A (p.Trp4682Ter)

Gene: BLTP1 (bridge-like lipid transfer protein family member 1; plus strand). Cytogenetic location: 4q27.
Variant type: single nucleotide variant.
Coding change: c.14045G>A on transcript NM_001384125.1 (MANE Select); coding-DNA position 14045, G replaced by A.
Protein change: p.Trp4682Ter; replaces tryptophan 4682 with a stop codon.
Molecular consequence: nonsense.
Genome position (GRCh38, 1-based): chr4:122,350,006, G>A. VCF-style: chr4-122350006-G-A. GRCh37 (hg19) VCF-style: chr4-123271161-G-A.
Other names: c.13781G>A, p.Trp4594Ter (NM_015312.4); short protein forms W4594*, W4682*.
Identifiers: ClinVar variation 4994742 (VCV004994742.1).

ClinVar aggregate classification (germline): Likely pathogenic (1 of 4 stars; one submission).

Conditions:
BLTP1-related disorder. Also called: BLTP1-related condition.

Submission:

PreventionGenetics, part of Exact Sciences
Classification: Likely pathogenic for BLTP1-related condition. Last evaluated: 2026-07-13. Review status: criteria provided, single submitter. Criteria: ACMG Guidelines, 2015. Collection method: clinical testing. Allele origin: germline.
Comment: The BLTP1 c.13781G>A variant is predicted to result in premature protein termination (p.Trp4594*). To our knowledge, this variant has not been reported in the literature or in a large population database (gnomAD), indicating this variant is rare. Nonsense variants in BLTP1 are expected to be pathogenic. This variant is interpreted as likely pathogenic.